The following is an entry in ClinVar:

NM_024422.6(DSC2):c.1005A>G (p.Leu335=)

Gene: DSC2 (desmocollin 2; minus strand). Cytogenetic location: 18q12.1.
Variant type: single nucleotide variant.
Coding change: c.1005A>G on transcript NM_024422.6 (MANE Select); coding-DNA position 1005, A replaced by G.
Protein change: p.Leu335=; no amino-acid change (leucine 335 retained).
Molecular consequence: synonymous variant.
Genome position (GRCh38, 1-based): chr18:31,082,998, T>C on the plus strand (A>G on the coding strand, the complement: DSC2 is on the minus strand). VCF-style: chr18-31082998-T-C. GRCh37 (hg19) VCF-style: chr18-28662964-T-C.
Other names: c.1005A>G (NM_024422.3); c.576A>G, p.Leu192= (NM_001406506.1, NM_001406507.1); c.1005A>G, p.Leu335= (NM_004949.5).
Identifiers: ClinVar variation 1956409 (VCV001956409.8), dbSNP rs917161304, ClinGen allele CA297637899.

ClinVar aggregate classification (germline): Likely benign. Review status: criteria provided, multiple submitters, no conflicts (2 of 4 stars). 4 submissions from 4 submitters: Likely benign (4). Last evaluated 2025-05-17.

Conditions:
Cardiovascular phenotype. Identifiers: MedGen CN230736.
Familial isolated arrhythmogenic right ventricular dysplasia. Identifiers: Orphanet 217656, MedGen C4274968, MONDO:0016342.
Cardiomyopathy (CMYO). Also called: Cardiomyopathies. Identifiers: Orphanet 167848, MedGen C0878544, MONDO:0004994, HP:0001638. Inheritance: Various modes of inheritance.
Arrhythmogenic right ventricular dysplasia 11. Also called: Arrhythmogenic Right Ventricular Dysplasia/Cardiomyopathy11; ARRHYTHMOGENIC RIGHT VENTRICULAR DYSPLASIA, FAMILIAL, 11; Arrhythmogenic right ventricular dysplasia 11 with mild palmoplantar keratoderma and woolly hair. Identifiers: MedGen C1864850, MONDO:0012506, OMIM 610476.

Allele frequency attached by ClinVar (database versions not stated): gnomAD exomes 0.00001; gnomAD 0.00001; TOPMed 0.00002.
gnomAD v4.1: 12 of 1,613,430 alleles (0.00074%); highest among the groups gnomAD compares: Non-Finnish European, 0.001%; no homozygotes.

Submissions (4):

Ambry Genetics
Classification: Likely benign for Cardiovascular phenotype. Last evaluated: 2025-05-17. Review status: criteria provided, single submitter. Criteria: Ambry Variant Classification Scheme 2023. Collection method: clinical testing. Allele origin: germline.

All of Us Research Program, National Institutes of Health
Classification: Likely benign for Familial isolated arrhythmogenic right ventricular dysplasia. Last evaluated: 2023-06-08. Review status: criteria provided, single submitter. Criteria: ACMG Guidelines, 2015. Collection method: clinical testing. Allele origin: germline. Inheritance: Autosomal dominant inheritance. Observed: 2 variant alleles, 2 heterozygotes.
Comment: This study involves interpretation of variants in research participants for the purpose of population health screening. Participant phenotype was not available at the time of variant classification. Additional details can be found in publication PMID: 35346344, PMCID: PMC8962531

Color Diagnostics, LLC DBA Color Health
Classification: Likely benign for Cardiomyopathy. Last evaluated: 2023-05-10. Review status: criteria provided, single submitter. Criteria: ACMG Guidelines, 2015. Collection method: clinical testing. Allele origin: germline.

Labcorp Genetics (formerly Invitae), Labcorp
Classification: Likely benign for Arrhythmogenic right ventricular dysplasia 11. Last evaluated: 2022-03-28. Review status: criteria provided, single submitter. Criteria: Invitae Variant Classification Sherloc (09022015). Collection method: clinical testing. Allele origin: germline.